The following is an entry in ClinVar:

ClinVar aggregate classification (germline): Likely benign. Review status: criteria provided, multiple submitters, no conflicts (2 of 4 stars). 2 submissions from 2 submitters: Likely benign (2). Last evaluated 2026-06-18.

Conditions:
AARS1-related disorder. Also called: AARS1-related condition.
Charcot-Marie-Tooth disease type 2. Also called: Charcot-Marie-Tooth type 2. Identifiers: Orphanet 64746, MedGen C0270914, MONDO:0018993.

Submissions (2):

PreventionGenetics, part of Exact Sciences
Classification: Likely benign for AARS1-related condition. Last evaluated: 2026-06-18. Review status: criteria provided, single submitter. Criteria: ACMG Guidelines, 2015. Collection method: clinical testing. Allele origin: germline.
Comment: This variant is classified as likely benign based on ACMG/AMP sequence variant interpretation guidelines (Richards et al. 2015 PMID: 25741868, with internal and published modifications).

Labcorp Genetics (formerly Invitae), Labcorp
Classification: Likely benign for Charcot-Marie-Tooth disease type 2. Last evaluated: 2025-05-18. Review status: criteria provided, single submitter. Criteria: Invitae Variant Classification Sherloc (09022015). Collection method: clinical testing. Allele origin: germline.

NM_001605.3(AARS1):c.1179G>C (p.Leu393=)

Gene: AARS1 (alanyl-tRNA synthetase 1; minus strand). Cytogenetic location: 16q22.1.
Variant type: single nucleotide variant.
Coding change: c.1179G>C on transcript NM_001605.3 (MANE Select); coding-DNA position 1179, G replaced by C.
Protein change: p.Leu393=; no amino-acid change (leucine 393 retained).
Molecular consequence: synonymous variant.
Genome position (GRCh38, 1-based): chr16:70,267,702, C>G on the plus strand (G>C on the coding strand, the complement: AARS1 is on the minus strand). VCF-style: chr16-70267702-C-G. GRCh37 (hg19) VCF-style: chr16-70301605-C-G.
Identifiers: ClinVar variation 4707644 (VCV004707644.2).